The following is an entry in ClinVar:

NM_001354483.2(CSGALNACT1):c.304G>A (p.Asp102Asn)

Gene: CSGALNACT1 (chondroitin sulfate N-acetylgalactosaminyltransferase 1; minus strand). Cytogenetic location: 8p21.3.
Variant type: single nucleotide variant.
Coding change: c.304G>A on transcript NM_001354483.2 (MANE Select); coding-DNA position 304, G replaced by A.
Protein change: p.Asp102Asn; replaces aspartic acid 102 with asparagine.
Molecular consequence: missense variant. On other transcripts: non-coding transcript variant (7).
Genome position (GRCh38, 1-based): chr8:19,505,531, C>T on the plus strand (G>A on the coding strand, the complement: CSGALNACT1 is on the minus strand). VCF-style: chr8-19505531-C-T. GRCh37 (hg19) VCF-style: chr8-19363042-C-T.
Other names: c.304G>A, p.Asp102Asn (NM_001130518.2, NM_001354475.2, NM_001354476.2 and 18 more transcripts); c.304G>A (NM_001130518.1); short protein forms D102N.
Identifiers: ClinVar variation 1413411 (VCV001413411.4), dbSNP rs201825362, ClinGen allele CA4654290.

ClinVar aggregate classification (germline): Uncertain significance. Review status: criteria provided, multiple submitters, no conflicts (2 of 4 stars). 2 submissions from 2 submitters: Uncertain significance (2). Last evaluated 2025-04-19.

Conditions:
Inborn genetic diseases. Identifiers: MedGen C0950123, MeSH D030342.

Allele frequency attached by ClinVar (database versions not stated): TOPMed 0.00003; 1000 Genomes Project 0.00020; 1000 Genomes Project 30x 0.00031; gnomAD 0.00001 and 0.00002.
gnomAD v4.1: 31 of 1,613,984 alleles (0.0019%); highest among the groups gnomAD compares: Admixed American, 0.052%; no homozygotes.

Submissions (2):

Ambry Genetics
Classification: Uncertain significance for Inborn genetic diseases. Last evaluated: 2025-04-19. Review status: criteria provided, single submitter. Criteria: Ambry Variant Classification Scheme 2023. Collection method: clinical testing. Allele origin: germline.

Labcorp Genetics (formerly Invitae), Labcorp
Classification: Uncertain significance. Last evaluated: 2022-02-28. Review status: criteria provided, single submitter. Criteria: Invitae Variant Classification Sherloc (09022015). Collection method: clinical testing. Allele origin: germline.
Comment: This sequence change replaces aspartic acid, which is acidic and polar, with asparagine, which is neutral and polar, at codon 102 of the CSGALNACT1 protein (p.Asp102Asn). This variant is present in population databases (rs201825362, gnomAD 0.09%). This variant has not been reported in the literature in individuals affected with CSGALNACT1-related conditions. Algorithms developed to predict the effect of missense changes on protein structure and function (SIFT, PolyPhen-2, Align-GVGD) all suggest that this variant is likely to be tolerated. In summary, the available evidence is currently insufficient to determine the role of this variant in disease. Therefore, it has been classified as a Variant of Uncertain Significance.